The following is an entry in ClinVar:

ClinVar aggregate classification (germline): Uncertain significance (1 of 4 stars; one submission).

Allele frequency attached by ClinVar (database versions not stated): gnomAD exomes below 0.00001.
gnomAD v4.1: 3 of 1,614,050 alleles (0.00019%); highest among the groups gnomAD compares: Non-Finnish European, 0.00025%; no homozygotes.

Submission:

Labcorp Genetics (formerly Invitae), Labcorp
Classification: Uncertain significance. Last evaluated: 2024-08-12. Review status: criteria provided, single submitter. Criteria: Invitae Variant Classification Sherloc (09022015). Collection method: clinical testing. Allele origin: germline.
Comment: This sequence change replaces methionine, which is neutral and non-polar, with isoleucine, which is neutral and non-polar, at codon 560 of the RP1 protein (p.Met560Ile). This variant is not present in population databases (gnomAD no frequency). This variant has not been reported in the literature in individuals affected with RP1-related conditions. An algorithm developed to predict the effect of missense changes on protein structure and function outputs the following: PolyPhen-2: "Benign". The isoleucine amino acid residue is found in multiple mammalian species, which suggests that this missense change does not adversely affect protein function. In summary, the available evidence is currently insufficient to determine the role of this variant in disease. Therefore, it has been classified as a Variant of Uncertain Significance.

NM_006269.2(RP1):c.1680G>A (p.Met560Ile)

Gene: RP1 (RP1 axonemal microtubule associated; plus strand). Cytogenetic location: 8q12.1.
Variant type: single nucleotide variant.
Coding change: c.1680G>A on transcript NM_006269.2 (MANE Select); coding-DNA position 1680, G replaced by A.
Protein change: p.Met560Ile; replaces methionine 560 with isoleucine.
Molecular consequence: missense variant. On other transcripts: intron variant (1).
Genome position (GRCh38, 1-based): chr8:54,625,562, G>A. VCF-style: chr8-54625562-G-A. GRCh37 (hg19) VCF-style: chr8-55538122-G-A.
Other names: c.787+3274G>A (NM_001375654.1); short protein forms M560I.
Identifiers: ClinVar variation 2879704 (VCV002879704.3), dbSNP rs2536571059, ClinGen allele CA370991223.
Genomic context (GRCh38, chr8:54,625,562, plus strand): 5'-TAAGTCAAGTGCAATAAGTGCTGGTGTTATAGAAATTACAAGTCAGAAGATGTTAGAGAT[G>A]TCACATAATAATGGTTTGCCATCAACTATATCAAATAACTCAATTGTGGAGGAAGATGTA-3'
Protein context (NP_006260.1, residues 550-570): IEITSQKMLE[Met560Ile]SHNNGLPSTI